The following is an entry in ClinVar:

ClinVar aggregate classification (germline): Likely pathogenic (1 of 4 stars; one submission).

Conditions:
Xeroderma pigmentosum (XP). Identifiers: Orphanet 910, MedGen C0043346, MONDO:0019600.

Submission:

Women's Health and Genetics/Laboratory Corporation of America, LabCorp
Classification: Likely pathogenic for Xeroderma pigmentosum. Last evaluated: 2022-08-23. Review status: criteria provided, single submitter. Criteria: LabCorp Variant Classification Summary - May 2015. Collection method: clinical testing. Allele origin: germline.
Comment: Variant summary: XPA c.771_775delCCGTA (p.Tyr257X) results in a premature termination codon, predicted to cause a truncation of the encoded protein or absence of the protein. Truncations downstream of this position have been classified as pathogenic in ClinVar. The variant was absent in 251188 control chromosomes (gnomAD). To our knowledge, no occurrence of c.771_775delCCGTA in individuals affected with Xeroderma Pigmentosum and no experimental evidence demonstrating its impact on protein function have been reported. No clinical diagnostic laboratories have submitted clinical-significance assessments for this variant to ClinVar after 2014. Based on the evidence outlined above, the variant was classified as likely pathogenic.

NM_000380.4(XPA):c.771_775del (p.Tyr257_Lys259delinsTer)

Gene: XPA (XPA, DNA damage recognition and repair factor; minus strand). Cytogenetic location: 9q22.33.
Variant type: Deletion.
Coding change: c.771_775del on transcript NM_000380.4 (MANE Select); coding-DNA positions 771 to 775, 5 bases deleted (CCGTA; older notation c.771_775delCCGTA).
Protein change: p.Tyr257_Lys259delinsTer.
Molecular consequence: nonsense. On other transcripts: non-coding transcript variant (5), frameshift variant (1).
Genome position (GRCh38, 1-based): chr9:97,675,486-97,675,490, TACGG deleted on the plus strand (CCGTA on the coding strand, the reverse complement: XPA is on the minus strand); deleting any 5 consecutive bases within chr9:97,675,486-97,675,493 gives the same sequence; the c. name uses the placement nearest the transcript's 3' end. VCF-style (leftmost placement, unchanged base first): chr9-97675485-TTACGG-T. GRCh37 (hg19) VCF-style: chr9-100437767-TTACGG-T.
Other names: c.645_649del, p.Tyr215_Lys217delinsTer (NM_001354975.2); c.771_775delCCGTA (NM_000380.3).
Identifiers: ClinVar variation 1705178 (VCV001705178.1), dbSNP rs2490184373, ClinGen allele CA2580080765.